The following is an entry in ClinVar:

ClinVar aggregate classification (germline): Uncertain significance (1 of 4 stars; one submission).

Conditions:
Intellectual developmental disorder, autosomal dominant 65. Also called: MENTAL RETARDATION, AUTOSOMAL DOMINANT 65. Identifiers: MedGen C5543371, MONDO:0023657, OMIM 619320.

Allele frequency attached by ClinVar (database versions not stated): gnomAD exomes below 0.00001.
gnomAD v4.1: 1 of 1,565,376 alleles (0.000064%); highest among the groups gnomAD compares: African/African-American, 0.0014%; no homozygotes.

Submission:

Laboratorio de Genetica e Diagnostico Molecular, Hospital Israelita Albert Einstein
Classification: Uncertain significance for Intellectual developmental disorder, autosomal dominant 65. Last evaluated: 2022-03-10. Review status: criteria provided, single submitter. Criteria: ACMG Guidelines, 2015. Collection method: clinical testing. Allele origin: germline. Affected: yes.
Comment: ACMG classification criteria: PM2 moderated, BP4 supporting

NM_015015.3(KDM4B):c.2878A>G (p.Asn960Asp)

Gene: KDM4B (lysine demethylase 4B; plus strand). Cytogenetic location: 19p13.3.
Variant type: single nucleotide variant.
Coding change: c.2878A>G on transcript NM_015015.3 (MANE Select); coding-DNA position 2878, A replaced by G.
Protein change: p.Asn960Asp; replaces asparagine 960 with aspartic acid.
Molecular consequence: missense variant.
Genome position (GRCh38, 1-based): chr19:5,144,389, A>G. VCF-style: chr19-5144389-A-G. GRCh37 (hg19) VCF-style: chr19-5144400-A-G.
Other names: c.2980A>G, p.Asn994Asp (NM_001411148.1); short protein forms N960D, N994D.
Identifiers: ClinVar variation 2431518 (VCV002431518.2), dbSNP rs2512168025, ClinGen allele CA403508080.